The following is an entry in ClinVar:

NM_000059.4(BRCA2):c.2037T>A (p.Asn679Lys)

Gene: BRCA2 (BRCA2 DNA repair associated; plus strand). Cytogenetic location: 13q13.1.
Variant type: single nucleotide variant.
Coding change: c.2037T>A on transcript NM_000059.4 (MANE Select); coding-DNA position 2037, T replaced by A.
Protein change: p.Asn679Lys; replaces asparagine 679 with lysine.
Molecular consequence: missense variant.
Genome position (GRCh38, 1-based): chr13:32,336,392, T>A. VCF-style: chr13-32336392-T-A. GRCh37 (hg19) VCF-style: chr13-32910529-T-A.
Other names: short protein forms N679K.
Identifiers: ClinVar variation 921984 (VCV000921984.10), dbSNP rs1406955615, ClinGen allele CA387768912.

ClinVar aggregate classification (germline): Conflicting classifications of pathogenicity. Review status: criteria provided, conflicting classifications (1 of 4 stars). 4 submissions from 4 submitters: Uncertain significance (3); Likely benign (1). Last evaluated 2025-03-28.

Conditions:
Hereditary breast ovarian cancer syndrome. Also called: BRCA1- and BRCA2-Associated Hereditary Breast and Ovarian Cancer; Hereditary breast and ovarian cancer syndrome; Hereditary breast and ovarian cancer; Hereditary breast and ovarian cancer syndrome (HBOC); Breast and ovarian cancer; Hereditary breast and/or ovarian cancer syndrome. Identifiers: Orphanet 145, MedGen C0677776, MeSH D061325, MONDO:0003582. Disease mechanism: loss of function.
Hereditary cancer-predisposing syndrome. Also called: Neoplastic Syndromes, Hereditary; Tumor predisposition; Hereditary Cancer Syndrome; Hereditary neoplastic syndrome. Identifiers: Orphanet 140162, MedGen C0027672, MeSH D009386, MONDO:0015356.

Allele frequency attached by ClinVar (database versions not stated): gnomAD exomes below 0.00001; TOPMed below 0.00001.
gnomAD v4.1: 1 of 1,613,086 alleles (0.000062%); highest among the groups gnomAD compares: African/African-American, 0.0013%; no homozygotes.

Submissions (4):

Ambry Genetics
Classification: Uncertain significance for Hereditary cancer-predisposing syndrome. Last evaluated: 2025-03-28. Review status: criteria provided, single submitter. Criteria: Ambry Variant Classification Scheme 2023. Collection method: clinical testing. Allele origin: germline.
Comment: The p.N679K variant (also known as c.2037T>A), located in coding exon 10 of the BRCA2 gene, results from a T to A substitution at nucleotide position 2037. The asparagine at codon 679 is replaced by lysine, an amino acid with similar properties. In addition, this alteration is predicted to be tolerated by in silico analysis. Based on the available evidence, the clinical significance of this variant remains unclear.

Color Diagnostics, LLC DBA Color Health
Classification: Uncertain significance for Hereditary cancer-predisposing syndrome. Last evaluated: 2024-03-06. Review status: criteria provided, single submitter. Criteria: ACMG Guidelines, 2015. Collection method: clinical testing. Allele origin: germline.
Comment: This missense variant replaces asparagine with lysine at codon 679 of the BRCA2 protein. Computational prediction tool suggests that this variant may not impact protein structure and function (internally defined REVEL score threshold <=0.5, PMID: 27666373). Splice site prediction tools suggest that this variant may not impact RNA splicing. To our knowledge, functional studies have not been performed for this variant. This variant has not been reported in individuals affected with hereditary cancer in the literature. This variant has been identified in 1/250198 chromosomes in the general population by the Genome Aggregation Database (gnomAD). The available evidence is insufficient to determine the role of this variant in disease conclusively. Therefore, this variant is classified as a Variant of Uncertain Significance.

Labcorp Genetics (formerly Invitae), Labcorp
Classification: Uncertain significance for Hereditary breast ovarian cancer syndrome. Last evaluated: 2023-07-19. Review status: criteria provided, single submitter. Criteria: Invitae Variant Classification Sherloc (09022015). Collection method: clinical testing. Allele origin: germline.
Comment: This sequence change replaces asparagine, which is neutral and polar, with lysine, which is basic and polar, at codon 679 of the BRCA2 protein (p.Asn679Lys). This variant is present in population databases (no rsID available, gnomAD 0.007%). This variant has not been reported in the literature in individuals affected with BRCA2-related conditions. ClinVar contains an entry for this variant (Variation ID: 921984). Advanced modeling of protein sequence and biophysical properties (such as structural, functional, and spatial information, amino acid conservation, physicochemical variation, residue mobility, and thermodynamic stability) performed at Invitae indicates that this missense variant is not expected to disrupt BRCA2 protein function. In summary, the available evidence is currently insufficient to determine the role of this variant in disease. Therefore, it has been classified as a Variant of Uncertain Significance.

University of Washington Department of Laboratory Medicine, University of Washington
Classification: Likely benign for Hereditary cancer-predisposing syndrome. Last evaluated: 2023-03-23. Review status: criteria provided, single submitter. Criteria: Dines et al. (Genet Med. 2020). Collection method: curation. Allele origin: germline.
Comment: Missense variant in a coldspot region where missense variants are very unlikely to be pathogenic (PMID:31911673).

BRCA2 exon 11 coldspot. Reclassification based on statistical prior probability.